The following is an entry in ClinVar:

ClinVar aggregate classification (germline): Benign. Review status: criteria provided, multiple submitters, no conflicts (2 of 4 stars). 9 submissions from 9 submitters: Benign (7). 2 of the submissions do not count toward it. Last evaluated 2026-02-04.

Conditions:
Bruck syndrome 2 (BRKS2). Also called: OSTEOGENESIS IMPERFECTA WITH CONGENITAL JOINT CONTRACTURES. Identifiers: Orphanet 2771, MedGen C1836602, MONDO:0012217, OMIM 609220.

Allele frequency attached by ClinVar (database versions not stated): gnomAD 0.23989; 1000 Genomes Project 30x 0.24750; 1000 Genomes Project 0.24840; TOPMed 0.25106; ESP Exome Variant Server 0.25227; gnomAD exomes 0.26930; ExAC 0.27090.
gnomAD v4.1: 449,776 of 1,609,696 alleles (28%); highest among the groups gnomAD compares: East Asian, 29%; 64,442 homozygotes.

Submissions (9):

Labcorp Genetics (formerly Invitae), Labcorp
Classification: Benign. Last evaluated: 2026-02-04. Review status: criteria provided, single submitter. Criteria: Invitae Variant Classification Sherloc (09022015). Collection method: clinical testing. Allele origin: germline.

Blueprint Genetics
Classification: Benign. Last evaluated: 2024-11-26. Review status: criteria provided, single submitter. Criteria: ACMG Guidelines, 2015. Collection method: clinical testing. Allele origin: germline.

Illumina Laboratory Services, Illumina
Classification: Benign for Bruck syndrome 2. Last evaluated: 2018-01-13. Review status: criteria provided, single submitter. Criteria: ICSL Variant Classification Criteria 13 December 2019. Collection method: clinical testing. Allele origin: germline.
Comment: This variant was observed in the ICSL laboratory as part of a predisposition screen in an ostensibly healthy population. It had not been previously curated by ICSL or reported in the Human Gene Mutation Database (HGMD: prior to June 1st, 2018), and was therefore a candidate for classification through an automated scoring system. Utilizing variant allele frequency, disease prevalence and penetrance estimates, and inheritance mode, an automated score was calculated to assess if this variant is too frequent to cause the disease. Based on the score and internal cut-off values, a variant classified as benign is not then subjected to further curation. The score for this variant resulted in a classification of benign for this disease.

GeneDx
Classification: Benign. Last evaluated: 2017-06-09. Review status: criteria provided, single submitter. Criteria: GeneDx Variant Classification (06012015). Collection method: clinical testing. Allele origin: germline. Affected: yes.
Comment: This variant is considered likely benign or benign based on one or more of the following criteria: it is a conservative change, it occurs at a poorly conserved position in the protein, it is predicted to be benign by multiple in silico algorithms, and/or has population frequency not consistent with disease.

Eurofins Ntd Llc (ga)
Classification: Benign. Last evaluated: 2015-08-05. Review status: criteria provided, single submitter. Criteria: EGL Classification Definitions 2015. Collection method: clinical testing. Allele origin: germline. Observed: 1 variant allele, 1 heterozygote.

Breakthrough Genomics
Classification: Benign. Review status: criteria provided, single submitter. Criteria: ACMG Guidelines, 2015. Collection method: not provided. Allele origin: germline. Inheritance: Autosomal recessive inheritance. Affected: yes.

PreventionGenetics, part of Exact Sciences
Classification: Benign. Review status: criteria provided, single submitter. Criteria: ACMG Guidelines, 2015. Collection method: clinical testing. Allele origin: germline.

Diagnostic Laboratory, Department of Genetics, University Medical Center Groningen
Classification: Benign for Bruck syndrome 2. Review status: no assertion criteria provided. Collection method: clinical testing. Allele origin: germline. Affected: yes. Study: VKGL Data-share Consensus. Not counted in ClinVar's aggregate classification.

Genome Diagnostics Laboratory, Amsterdam University Medical Center
Classification: Benign. Review status: no assertion criteria provided. Collection method: clinical testing. Allele origin: germline. Affected: yes. Study: VKGL Data-share Consensus. Not counted in ClinVar's aggregate classification.

NM_182943.3(PLOD2):c.1500+12A>G

Gene: PLOD2 (procollagen-lysine,2-oxoglutarate 5-dioxygenase 2; minus strand). Cytogenetic location: 3q24.
Variant type: single nucleotide variant.
Coding change: c.1500+12A>G on transcript NM_182943.3 (MANE Select); 12 bases into the intron after coding-DNA position 1500, A replaced by G.
Molecular consequence: intron variant.
Genome position (GRCh38, 1-based): chr3:146,079,104, T>C on the plus strand (A>G on the coding strand, the complement: PLOD2 is on the minus strand). VCF-style: chr3-146079104-T-C. GRCh37 (hg19) VCF-style: chr3-145796891-T-C.
Other names: c.1500+12A>G (NM_000935.3).
Identifiers: ClinVar variation 263073 (VCV000263073.22), dbSNP rs73010484, ClinGen allele CA2654884.
Genomic context (GRCh38, chr3:146,079,104, plus strand): 5'-CAGTGACACACCAACTGGTAAAGCAAGCCATCTTATAAGAACATTCAAGCAAGCCATCAC[T>C]GCATATCTTACCATTTCTCTAGCATTTCGGCAAAGAGCCATATCAGGATCCAGTTTATCA-3'